The following is an entry in ClinVar:

NM_206933.4(USH2A):c.13193C>G (p.Ser4398Cys)

Gene: USH2A (usherin; minus strand). Cytogenetic location: 1q41.
Variant type: single nucleotide variant.
Coding change: c.13193C>G on transcript NM_206933.4 (MANE Select); coding-DNA position 13193, C replaced by G.
Protein change: p.Ser4398Cys; replaces serine 4398 with cysteine.
Molecular consequence: missense variant.
Genome position (GRCh38, 1-based): chr1:215,674,718, G>C on the plus strand (C>G on the coding strand, the complement: USH2A is on the minus strand). VCF-style: chr1-215674718-G-C. GRCh37 (hg19) VCF-style: chr1-215848060-G-C.
Other names: short protein forms S4398C.
Identifiers: ClinVar variation 1056393 (VCV001056393.8), dbSNP rs144200261, ClinGen allele CA344846218.

ClinVar aggregate classification (germline): Uncertain significance. Review status: criteria provided, single submitter (1 of 4 stars). 2 submissions from 2 submitters: Uncertain significance (1). 1 of the submissions does not count toward it. Last evaluated 2024-06-13.

Conditions:
Usher syndrome type 2A. Also called: RETINAL DISEASE IN USHER SYNDROME TYPE IIA, MODIFIER OF; USHER SYNDROME, TYPE IIA. Identifiers: Orphanet 231178, Orphanet 886, MedGen C1848634, MONDO:0010169, OMIM 276901.

gnomAD v4.1: 32 of 1,614,028 alleles (0.002%); highest among the groups gnomAD compares: Non-Finnish European, 0.0027%; no homozygotes.

Submissions (2):

Labcorp Genetics (formerly Invitae), Labcorp
Classification: Uncertain significance. Last evaluated: 2024-06-13. Review status: criteria provided, single submitter. Criteria: Invitae Variant Classification Sherloc (09022015). Collection method: clinical testing. Allele origin: germline.
Comment: This sequence change replaces serine, which is neutral and polar, with cysteine, which is neutral and slightly polar, at codon 4398 of the USH2A protein (p.Ser4398Cys). This variant is present in population databases (no rsID available, gnomAD 0.003%). This variant has not been reported in the literature in individuals affected with USH2A-related conditions. ClinVar contains an entry for this variant (Variation ID: 1056393). Advanced modeling of protein sequence and biophysical properties (such as structural, functional, and spatial information, amino acid conservation, physicochemical variation, residue mobility, and thermodynamic stability) performed at Invitae indicates that this missense variant is not expected to disrupt USH2A protein function with a negative predictive value of 95%. In summary, the available evidence is currently insufficient to determine the role of this variant in disease. Therefore, it has been classified as a Variant of Uncertain Significance.

Natera, Inc.
Classification: Uncertain significance for Usher syndrome type 2A. Last evaluated: 2020-11-10. Review status: no assertion criteria provided. Collection method: clinical testing. Allele origin: germline. Not counted in ClinVar's aggregate classification.